The following is an entry in ClinVar:

NM_004304.5(ALK):c.1115C>G (p.Ala372Gly)

Gene: ALK (ALK receptor tyrosine kinase; minus strand). Cytogenetic location: 2p23.2.
Variant type: single nucleotide variant.
Coding change: c.1115C>G on transcript NM_004304.5 (MANE Select); coding-DNA position 1115, C replaced by G.
Protein change: p.Ala372Gly; replaces alanine 372 with glycine.
Molecular consequence: missense variant.
Genome position (GRCh38, 1-based): chr2:29,531,954, G>C on the plus strand (C>G on the coding strand, the complement: ALK is on the minus strand). VCF-style: chr2-29531954-G-C. GRCh37 (hg19) VCF-style: chr2-29754820-G-C.
Other names: short protein forms A372G.
Identifiers: ClinVar variation 2917230 (VCV002917230.3), dbSNP rs2148158514, ClinGen allele CA346587243.

ClinVar aggregate classification (germline): Uncertain significance (1 of 4 stars; one submission).

Conditions:
Neuroblastoma, susceptibility to, 3. Also called: ALK-Related Neuroblastic Tumor Susceptibility. Identifiers: Orphanet 635, MedGen C2751681, MONDO:0013083, OMIM 613014.

Allele frequency attached by ClinVar (database versions not stated): gnomAD exomes below 0.00001.
gnomAD v4.1: 1 of 1,614,174 alleles (0.000062%); highest among the groups gnomAD compares: Non-Finnish European, 0.000085%; no homozygotes.

Submission:

Labcorp Genetics (formerly Invitae), Labcorp
Classification: Uncertain significance for Neuroblastoma, susceptibility to, 3. Last evaluated: 2023-04-24. Review status: criteria provided, single submitter. Criteria: Invitae Variant Classification Sherloc (09022015). Collection method: clinical testing. Allele origin: germline.
Comment: In summary, the available evidence is currently insufficient to determine the role of this variant in disease. Therefore, it has been classified as a Variant of Uncertain Significance. Algorithms developed to predict the effect of missense changes on protein structure and function output the following: SIFT: "Not Available"; PolyPhen-2: "Benign"; Align-GVGD: "Not Available". The glycine amino acid residue is found in multiple mammalian species, which suggests that this missense change does not adversely affect protein function. This variant has not been reported in the literature in individuals affected with ALK-related conditions. This variant is not present in population databases (gnomAD no frequency). This sequence change replaces alanine, which is neutral and non-polar, with glycine, which is neutral and non-polar, at codon 372 of the ALK protein (p.Ala372Gly).